The following is an entry in ClinVar:

NM_002292.4(LAMB2):c.4224+5G>A

Gene: LAMB2 (laminin subunit beta 2; minus strand). Cytogenetic location: 3p21.31.
Variant type: single nucleotide variant.
Coding change: c.4224+5G>A on transcript NM_002292.4 (MANE Select); 5 bases into the intron after coding-DNA position 4224, G replaced by A.
Molecular consequence: intron variant.
Genome position (GRCh38, 1-based): chr3:49,123,127, C>T on the plus strand (G>A on the coding strand, the complement: LAMB2 is on the minus strand). VCF-style: chr3-49123127-C-T. GRCh37 (hg19) VCF-style: chr3-49160560-C-T.
Identifiers: ClinVar variation 4879844 (VCV004879844.1).

ClinVar aggregate classification (germline): Uncertain significance (1 of 4 stars; one submission).

Conditions:
LAMB2-related infantile-onset nephrotic syndrome. Also called: NEPHROTIC SYNDROME, TYPE 5, WITHOUT OCULAR ABNORMALITIES; NEPHROTIC SYNDROME, TYPE 5, WITH OCULAR ABNORMALITIES; Nephrotic Syndrome, type 5. Identifiers: Orphanet 306507, MedGen C3280113, MONDO:0013621, OMIM 614199.

Submission:

MVZ Medizinische Genetik Mainz
Classification: Uncertain significance for LAMB2-related infantile-onset nephrotic syndrome. Last evaluated: 2026-06-16. Review status: criteria provided, single submitter. Criteria: UK Practice Guidelines For Variant Classification V4 01 2020. Collection method: clinical testing. Allele origin: germline. Inheritance: Autosomal recessive inheritance. Affected: yes. Observed: 1 variant allele.
Comment: ACMG Criteria: PM2_SUP,PM3_SUP,PP3